The following is an entry in ClinVar:

ClinVar aggregate classification (germline): Uncertain significance (1 of 4 stars; one submission).

Conditions:
Medium-chain acyl-coenzyme A dehydrogenase deficiency (ACADMD). Also called: MCADH DEFICIENCY; MCADD; MCAD Deficiency; ACADM DEFICIENCY; CARNITINE DEFICIENCY SECONDARY TO MEDIUM-CHAIN ACYL-CoA DEHYDROGENASE DEFICIENCY; Medium chain acyl-CoA dehydrogenase deficiency. Identifiers: Orphanet 42, MedGen C0220710, MONDO:0008721, OMIM 201450.

Submission:

Labcorp Genetics (formerly Invitae), Labcorp
Classification: Uncertain significance for Medium-chain acyl-coenzyme A dehydrogenase deficiency. Last evaluated: 2024-02-24. Review status: criteria provided, single submitter. Criteria: Invitae Variant Classification Sherloc (09022015). Collection method: clinical testing. Allele origin: germline.
Comment: This sequence change replaces lysine, which is basic and polar, with arginine, which is basic and polar, at codon 69 of the ACADM protein (p.Lys69Arg). This variant is not present in population databases (gnomAD no frequency). This variant has not been reported in the literature in individuals affected with ACADM-related conditions. ClinVar contains an entry for this variant (Variation ID: 1473387). Advanced modeling of protein sequence and biophysical properties (such as structural, functional, and spatial information, amino acid conservation, physicochemical variation, residue mobility, and thermodynamic stability) performed at Invitae indicates that this missense variant is not expected to disrupt ACADM protein function with a negative predictive value of 80%. In summary, the available evidence is currently insufficient to determine the role of this variant in disease. Therefore, it has been classified as a Variant of Uncertain Significance.

NM_000016.6(ACADM):c.206A>G (p.Lys69Arg)

Gene: ACADM (acyl-CoA dehydrogenase medium chain; plus strand). Cytogenetic location: 1p31.1.
Variant type: single nucleotide variant.
Coding change: c.206A>G on transcript NM_000016.6 (MANE Select); coding-DNA position 206, A replaced by G.
Protein change: p.Lys69Arg; replaces lysine 69 with arginine.
Molecular consequence: missense variant. On other transcripts: 5 prime UTR variant (1).
Genome position (GRCh38, 1-based): chr1:75,732,731, A>G. VCF-style: chr1-75732731-A-G. GRCh37 (hg19) VCF-style: chr1-76198416-A-G.
Other names: c.218A>G, p.Lys73Arg (NM_001127328.3); c.98A>G, p.Lys33Arg (NM_001286042.2); c.206A>G, p.Lys69Arg (NM_001286043.2); c.-180A>G (NM_001286044.2); short protein forms K69R, K73R, K33R.
Identifiers: ClinVar variation 1473387 (VCV001473387.6), dbSNP rs927784210, ClinGen allele CA340809594.